The following is an entry in ClinVar:

ClinVar aggregate classification (germline): Pathogenic. Review status: reviewed by expert panel (3 of 4 stars). 10 submissions from 10 submitters: Pathogenic (1). 9 of the submissions do not count toward it. Last evaluated 2016-09-08.

Conditions:
Breast-ovarian cancer, familial, susceptibility to, 1 (BROVCA1). Also called: BRCA1 Hereditary Breast and Ovarian Cancer; OVARIAN CANCER, SUSCEPTIBILITY TO. Identifiers: Orphanet 145, MedGen C2676676, MONDO:0011450, OMIM 604370. Disease mechanism: loss of function.
Familial cancer of breast. Also called: hereditary breast carcinoma; BREAST CANCER, FAMILIAL; Hereditary breast cancer. Identifiers: Orphanet 227535, MedGen C0346153, MONDO:0016419, OMIM 114480. Disease mechanism: loss of function.
Fanconi anemia, complementation group S (FANCS). Identifiers: MedGen C4554406, MONDO:0054748, OMIM 617883.
Pancreatic cancer, susceptibility to, 4. Identifiers: Orphanet 1333, MedGen C3280442, MONDO:0013685, OMIM 614320.
Hereditary cancer-predisposing syndrome. Also called: Hereditary Cancer Syndrome; Hereditary neoplastic syndrome; Neoplastic Syndromes, Hereditary; Tumor predisposition. Identifiers: Orphanet 140162, MedGen C0027672, MeSH D009386, MONDO:0015356.
Hereditary breast ovarian cancer syndrome. Also called: BRCA1- and BRCA2-Associated Hereditary Breast and Ovarian Cancer; Hereditary breast and ovarian cancer syndrome; Hereditary breast and ovarian cancer syndrome (HBOC); Breast and ovarian cancer; Hereditary breast and/or ovarian cancer syndrome; Hereditary breast and ovarian cancer. Identifiers: Orphanet 145, MedGen C0677776, MeSH D061325, MONDO:0003582. Disease mechanism: loss of function.

Submissions (10):

Evidence-based Network for the Interpretation of Germline Mutant Alleles (ENIGMA)
Classification: Pathogenic for Breast-ovarian cancer, familial, susceptibility to, 1. Last evaluated: 2016-09-08. Review status: reviewed by expert panel. Criteria: ENIGMA BRCA1/2 Classification Criteria (2015). Collection method: curation. Allele origin: germline.
Comment: Variant allele predicted to encode a truncated non-functional protein.

Ambry Genetics
Classification: Pathogenic for Hereditary cancer-predisposing syndrome. Last evaluated: 2025-01-31. Review status: criteria provided, single submitter. Criteria: Ambry Variant Classification Scheme 2023. Collection method: clinical testing. Allele origin: germline. Not counted in ClinVar's aggregate classification.
Comment: The c.4625_4626delCT pathogenic mutation, located in coding exon 13 of the BRCA1 gene, results from a deletion of two nucleotides at nucleotide positions 4625 to 4626, causing a translational frameshift with a predicted alternate stop codon (p.S1542Wfs*31). This mutation has been reported in multiple probands with hereditary breast and/or ovarian cancer (Evans DG et al. J. Med. Genet., 2003 Sep;40:e107; Palmero EI et al. Sci Rep, 2018 Jun;8:9188). Of note, this mutation is also designated as 4744delCT in published literature. In addition to the clinical data presented in the liaterature, this alteration is expected to result in loss of function by premature protein truncation or nonsense-mediated mRNA decay. As such, this alteration is interpreted as a disease-causing mutation.

Labcorp Genetics (formerly Invitae), Labcorp
Classification: Pathogenic for Hereditary breast ovarian cancer syndrome. Last evaluated: 2023-11-24. Review status: criteria provided, single submitter. Criteria: Invitae Variant Classification Sherloc (09022015). Collection method: clinical testing. Allele origin: germline. Not counted in ClinVar's aggregate classification.
Comment: This sequence change creates a premature translational stop signal (p.Ser1542Trpfs*31) in the BRCA1 gene. It is expected to result in an absent or disrupted protein product. Loss-of-function variants in BRCA1 are known to be pathogenic (PMID: 20104584). This variant is not present in population databases (gnomAD no frequency). This variant has not been reported in the literature in individuals affected with BRCA1-related conditions. This variant is also known as 4744delCT. ClinVar contains an entry for this variant (Variation ID: 55243). For these reasons, this variant has been classified as Pathogenic.

Color Diagnostics, LLC DBA Color Health
Classification: Pathogenic for Hereditary cancer-predisposing syndrome. Last evaluated: 2022-08-29. Review status: criteria provided, single submitter. Criteria: ACMG Guidelines, 2015. Collection method: clinical testing. Allele origin: germline. Not counted in ClinVar's aggregate classification.
Comment: This variant deletes 2 nucleotides in exon 14 of the BRCA1 gene, creating a frameshift and premature translation stop signal. This variant is expected to result in an absent or non-functional protein product. This variant has been detected in 2 suspected hereditary breast and ovarian cancer families (PMID: 12960223). This variant has not been identified in the general population by the Genome Aggregation Database (gnomAD). Loss of BRCA1 function is a known mechanism of disease. Based on the available evidence, this variant is classified as Pathogenic.

Fulgent Genetics
Classification: Pathogenic for Familial cancer of breast; Breast-ovarian cancer, familial, susceptibility to, 1; Pancreatic cancer, susceptibility to, 4; Fanconi anemia, complementation group S. Last evaluated: 2022-02-18. Review status: criteria provided, single submitter. Criteria: ACMG Guidelines, 2015. Collection method: clinical testing. Allele origin: unknown. Not counted in ClinVar's aggregate classification.

Laboratory for Molecular Medicine, Mass General Brigham Personalized Medicine
Classification: Pathogenic for Hereditary breast ovarian cancer syndrome. Last evaluated: 2019-10-14. Review status: criteria provided, single submitter. Criteria: ACMG Guidelines, 2015. Collection method: clinical testing. Allele origin: germline. Not counted in ClinVar's aggregate classification.
Comment: The p.Ser1542TrpfsX31 variant in BRCA1 has been reported in at least 6 individuals with hereditary breast and/or ovarian cancer (HBOC; Evans 2003, BIC database) and was absent from large population studies. This variant is predicted to cause a frameshift, which alters the protein’s amino acid sequence beginning at position 1542 and leads to a premature termination codon 31 amino acids downstream. This alteration is then predicted to lead to a truncated or absent protein. Loss of function of the BRCA1 gene is an established disease mechanism in autosomal dominant HBOC. Additionally, this variant was classified as Pathogenic on Sep 8, 2016 by the ClinGen-approved ENIGMA expert panel (Variation ID: 55243). In summary, this variant meets criteria to be classified as pathogenic for autosomal dominant HBOC. ACMG/AMP Criteria applied: PVS1, PM2, PS4_Moderate.

GeneDx
Classification: Pathogenic. Last evaluated: 2016-02-24. Review status: criteria provided, single submitter. Criteria: GeneDx Variant Classification (06012015). Collection method: clinical testing. Allele origin: germline. Affected: yes. Not counted in ClinVar's aggregate classification.
Comment: This deletion of two nucleotides in BRCA1 is denoted c.4625_4626delCT at the cDNA level and p.Ser1542TrpfsX31 (S1542WfsX31) at the protein level. The normal sequence, with the bases that are deleted in braces, is GAGT[CT]GGGC. The deletion causes a frameshift which changes a Serine to a Tryptophan at codon 1542, and creates a premature stop codon at position 31 of the new reading frame. This variant is predicted to cause loss of normal protein function through either protein truncation or nonsense-mediated mRNA decay. BRCA1 c.4625_4626delCT has been observed in at least two breast/ovarian cancer families (Evans 2003). We consider this variant to be pathogenic.

Consortium of Investigators of Modifiers of BRCA1/2 (CIMBA), c/o University of Cambridge
Classification: Pathogenic for Breast-ovarian cancer, familial, susceptibility to, 1. Last evaluated: 2015-10-02. Review status: criteria provided, single submitter. Criteria: CIMBA Mutation Classification guidelines May 2016. Collection method: clinical testing. Allele origin: germline. Not counted in ClinVar's aggregate classification.

Breast Cancer Information Core (BIC) (BRCA1)
Classification: Pathogenic for Breast-ovarian cancer, familial 1. Last evaluated: 2002-05-29. Review status: no assertion criteria provided. Collection method: clinical testing. Allele origin: germline. Affected: yes. Observed: 4 variant alleles. Not counted in ClinVar's aggregate classification.

Department of Pathology and Laboratory Medicine, Sinai Health System
Classification: Pathogenic for Breast-ovarian cancer, familial, susceptibility to, 1. Review status: no assertion criteria provided. Collection method: clinical testing. Allele origin: unknown. Affected: yes. Study: The Canadian Open Genetics Repository (COGR). Not counted in ClinVar's aggregate classification.
Comment: The p.Ser1542TrpfsX31 deletion variant was identified by Evans (2003) in 2 families with breast or ovarian cancer. The variant was also identified in dbSNP (ID: rs80357542) â€šÃ„ÃºWith pathogenic alleleâ€šÃ„Ã¹, HGMD, the BIC database (4X as a clinically important variant), and in the ClinVar database (submitted by BIC). The p.Ser1542TrpfsX31 deletion variant is predicted to cause a frameshift, which alters the protein's amino acid sequence beginning at codon 1542 and leads to a premature stop codon 31 codons downstream. This alteration is then predicted to result in a truncated or absent protein and loss of function. Loss of function variants of the BRCA1 gene are an established mechanism of disease in hereditary breast and ovarian cancer and is the type of variant expected to cause the disorder. In summary, based on the above information, this variant meets our laboratoryâ€šÃ„Ã´s criteria to be classified as pathogenic.

Literature cited by the submitters: PubMed 12960223 (cited by 3 submitters); PubMed 29907814 (cited by Ambry Genetics); PubMed 20104584 (cited by Labcorp Genetics (formerly Invitae), Labcorp).

NM_007294.4(BRCA1):c.4625_4626del (p.Ser1542fs)

Gene: BRCA1 (BRCA1 DNA repair associated; minus strand). Cytogenetic location: 17q21.31.
Variant type: Deletion.
Coding change: c.4625_4626del on transcript NM_007294.4 (MANE Select); coding-DNA positions 4625 to 4626, 2 bases deleted (CT; older notation c.4625_4626delCT).
Protein change: p.Ser1542fs; shifts the reading frame from serine 1542.
Molecular consequence: frameshift variant. On other transcripts: non-coding transcript variant (1).
Genome position (GRCh38, 1-based): chr17:43,074,380-43,074,381, AG deleted on the plus strand (CT on the coding strand, the reverse complement: BRCA1 is on the minus strand); deleting any 2 consecutive bases within chr17:43,074,380-43,074,382 gives the same sequence; the c. name uses the placement nearest the transcript's 3' end. VCF-style (leftmost placement, unchanged base first): chr17-43074379-CAG-C. GRCh37 (hg19) VCF-style: chr17-41226396-CAG-C.
Other names: 4744delCT; c.4625_4626delCT (NM_007294.3); c.4480_4481delTC, p.Ser1494Trpfs (NM_001407945.1, NM_001407732.1, NM_001407733.1 and 21 more transcripts); c.4291_4292delTC, p.Ser1431Trpfs (NM_001407946.1, NM_001407947.1, NM_001407948.1 and 1 more transcripts); c.4288_4289delTC, p.Ser1430Trpfs (NM_001407950.1, NM_001407951.1, NM_001407952.1 and 3 more transcripts); c.4285_4286delTC, p.Ser1429Trpfs (NM_001407956.1, NM_001407957.1, NM_001407958.1); c.4243_4244delTC, p.Ser1415Trpfs (NM_001407959.1); c.4240_4241delTC, p.Ser1414Trpfs (NM_001407960.1, NM_001407962.1); and 73 more; short protein forms S1495fs, S1542fs, S438fs, S1563fs.
Identifiers: ClinVar variation 55243 (VCV000055243.24), dbSNP rs80357542, ClinGen allele CA002932.
Genomic context (GRCh38, chr17:43,074,379, plus strand): 5'-ATGAAATATTACCTAGATCTTGCCTTGGCAAGTAAGATGTTTCCGTCAAATCGTGTGGCC[CAG>C]ACTCTTCCAGCTGTTGCTCCTCCACATCAACAACCTTAATGAGCTCCTCTTGAGATGGGT-3'